The following is an entry in ClinVar:

NM_013382.7(POMT2):c.1231A>T (p.Ile411Phe)

Gene: POMT2 (protein O-mannosyltransferase 2; minus strand). Cytogenetic location: 14q24.3.
Variant type: single nucleotide variant.
Coding change: c.1231A>T on transcript NM_013382.7 (MANE Select); coding-DNA position 1231, A replaced by T.
Protein change: p.Ile411Phe; replaces isoleucine 411 with phenylalanine.
Molecular consequence: missense variant.
Genome position (GRCh38, 1-based): chr14:77,288,784, T>A on the plus strand (A>T on the coding strand, the complement: POMT2 is on the minus strand). VCF-style: chr14-77288784-T-A. GRCh37 (hg19) VCF-style: chr14-77755127-T-A.
Other names: short protein forms I411F.
Identifiers: ClinVar variation 2948144 (VCV002948144.3), dbSNP rs1272724709, ClinGen allele CA390518287.

ClinVar aggregate classification (germline): Uncertain significance (1 of 4 stars; one submission).

Conditions:
Muscular dystrophy-dystroglycanopathy (congenital with impaired intellectual development), type B, 2. Also called: MUSCULAR DYSTROPHY, CONGENITAL, POMT2-RELATED; Muscular dystrophy-dystroglycanopathy (congenital with intellectual disability), type B2. Identifiers: MedGen C3150416, MONDO:0013160, OMIM 613156.
Muscular dystrophy-dystroglycanopathy (congenital with brain and eye anomalies), type A2. Also called: MUSCULAR DYSTROPHY-DYSTROGLYCANOPATHY (CONGENITAL WITH BRAIN AND EYE ANOMALIES), TYPE A, 2; WALKER-WARBURG SYNDROME OR MUSCLE-EYE-BRAIN DISEASE, POMT2-RELATED. Identifiers: Orphanet 588, Orphanet 899, MedGen C3150411, MONDO:0013154, OMIM 613150.
Autosomal recessive limb-girdle muscular dystrophy type 2N. Also called: MUSCULAR DYSTROPHY-DYSTROGLYCANOPATHY, LIMB-GIRDLE, POMT2-RELATED; Muscular dystrophy-dystroglycanopathy (limb-girdle), type C, 2. Identifiers: Orphanet 206559, MedGen C3150418, MONDO:0013162, OMIM 613158.

Submission:

Labcorp Genetics (formerly Invitae), Labcorp
Classification: Uncertain significance for Muscular dystrophy-dystroglycanopathy (congenital with impaired intellectual development), type B, 2; Muscular dystrophy-dystroglycanopathy (congenital with brain and eye anomalies), type A2; Autosomal recessive limb-girdle muscular dystrophy type 2N. Last evaluated: 2023-05-23. Review status: criteria provided, single submitter. Criteria: Invitae Variant Classification Sherloc (09022015). Collection method: clinical testing. Allele origin: germline.
Comment: In summary, the available evidence is currently insufficient to determine the role of this variant in disease. Therefore, it has been classified as a Variant of Uncertain Significance. Advanced modeling of protein sequence and biophysical properties (such as structural, functional, and spatial information, amino acid conservation, physicochemical variation, residue mobility, and thermodynamic stability) performed at Invitae indicates that this missense variant is not expected to disrupt POMT2 protein function. This variant has not been reported in the literature in individuals affected with POMT2-related conditions. This variant is not present in population databases (gnomAD no frequency). This sequence change replaces isoleucine, which is neutral and non-polar, with phenylalanine, which is neutral and non-polar, at codon 411 of the POMT2 protein (p.Ile411Phe).